The following is an entry in ClinVar:

NM_001853.4(COL9A3):c.1528A>T (p.Thr510Ser)

Genes: COL9A3 (collagen type IX alpha 3 chain; plus strand), LOC126863084 (MED14-independent group 3 enhancer GRCh37_chr20:61467141-61468340; plus strand). Cytogenetic location: 20q13.33.
Variant type: single nucleotide variant.
Coding change: c.1528A>T on transcript NM_001853.4 (MANE Select); coding-DNA position 1528, A replaced by T.
Protein change: p.Thr510Ser; replaces threonine 510 with serine.
Molecular consequence: missense variant.
Genome position (GRCh38, 1-based): chr20:62,836,313, A>T. VCF-style: chr20-62836313-A-T. GRCh37 (hg19) VCF-style: chr20-61467665-A-T.
Other names: short protein forms T510S.
Identifiers: ClinVar variation 4232629 (VCV004232629.2).

ClinVar aggregate classification (germline): Uncertain significance. Review status: criteria provided, multiple submitters, no conflicts (2 of 4 stars). 2 submissions from 2 submitters: Uncertain significance (2). Last evaluated 2025-06-16.

Conditions:
Inborn genetic diseases. Identifiers: MedGen C0950123, MeSH D030342.

Submissions (2):

Ambry Genetics
Classification: Uncertain significance for Inborn genetic diseases. Last evaluated: 2025-06-16. Review status: criteria provided, single submitter. Criteria: Ambry Variant Classification Scheme 2023. Collection method: clinical testing. Allele origin: germline.

Labcorp Genetics (formerly Invitae), Labcorp
Classification: Uncertain significance. Last evaluated: 2025-03-31. Review status: criteria provided, single submitter. Criteria: Invitae Variant Classification Sherloc (09022015). Collection method: clinical testing. Allele origin: germline.
Comment: This sequence change replaces threonine, which is neutral and polar, with serine, which is neutral and polar, at codon 510 of the COL9A3 protein (p.Thr510Ser). This variant is present in population databases (rs760318814, gnomAD no frequency). This variant has not been reported in the literature in individuals affected with COL9A3-related conditions. Invitae Evidence Modeling of protein sequence and biophysical properties (such as structural, functional, and spatial information, amino acid conservation, physicochemical variation, residue mobility, and thermodynamic stability) indicates that this missense variant is not expected to disrupt COL9A3 protein function with a negative predictive value of 95%. In summary, the available evidence is currently insufficient to determine the role of this variant in disease. Therefore, it has been classified as a Variant of Uncertain Significance.